The following is an entry in ClinVar:

NM_000275.3(OCA2):c.1228T>C (p.Cys410Arg)

Gene: OCA2 (OCA2 melanosomal transmembrane protein; minus strand). Cytogenetic location: 15q13.1.
Variant type: single nucleotide variant.
Coding change: c.1228T>C on transcript NM_000275.3 (MANE Select); coding-DNA position 1228, T replaced by C.
Protein change: p.Cys410Arg; replaces cysteine 410 with arginine.
Molecular consequence: missense variant.
Genome position (GRCh38, 1-based): chr15:27,986,598, A>G on the plus strand (T>C on the coding strand, the complement: OCA2 is on the minus strand). VCF-style: chr15-27986598-A-G. GRCh37 (hg19) VCF-style: chr15-28231744-A-G.
Other names: c.1156T>C, p.Cys386Arg (NM_001300984.2); short protein forms C386R, C410R.
Identifiers: ClinVar variation 2809522 (VCV002809522.3), dbSNP rs2548350106, ClinGen allele CA391360772.
Genomic context (GRCh38, chr15:27,986,598, plus strand): 5'-ATATATAAATTAATCAGGATAGAATTATTAAATGCAACATCATACCTACCTTTACAGCAC[A>G]ATAATCGAAAAATCCCGTTTCTGAAAATATGGCTACTAAGATCATCTATGGGGAAAAGAA-3'
Protein context (NP_000266.2, residues 400-420): IFSETGFFDY[Cys410Arg]AVKAYRLSRG

ClinVar aggregate classification (germline): Uncertain significance (1 of 4 stars; one submission).

Submission:

Labcorp Genetics (formerly Invitae), Labcorp
Classification: Uncertain significance. Last evaluated: 2022-11-23. Review status: criteria provided, single submitter. Criteria: Invitae Variant Classification Sherloc (09022015). Collection method: clinical testing. Allele origin: germline.
Comment: Advanced modeling of protein sequence and biophysical properties (such as structural, functional, and spatial information, amino acid conservation, physicochemical variation, residue mobility, and thermodynamic stability) has been performed at Invitae for this missense variant, however the output from this modeling did not meet the statistical confidence thresholds required to predict the impact of this variant on OCA2 protein function. In summary, the available evidence is currently insufficient to determine the role of this variant in disease. Therefore, it has been classified as a Variant of Uncertain Significance. This variant has not been reported in the literature in individuals affected with OCA2-related conditions. This variant is not present in population databases (gnomAD no frequency). This sequence change replaces cysteine, which is neutral and slightly polar, with arginine, which is basic and polar, at codon 410 of the OCA2 protein (p.Cys410Arg).